The following is an entry in ClinVar:

ClinVar aggregate classification (germline): Uncertain significance (1 of 4 stars; one submission).

Submission:

Labcorp Genetics (formerly Invitae), Labcorp
Classification: Uncertain significance. Last evaluated: 2024-12-06. Review status: criteria provided, single submitter. Criteria: Invitae Variant Classification Sherloc (09022015). Collection method: clinical testing. Allele origin: germline.
Comment: This sequence change replaces glutamic acid, which is acidic and polar, with glutamine, which is neutral and polar, at codon 208 of the FUK protein (p.Glu208Gln). This variant is not present in population databases (gnomAD no frequency). This variant has not been reported in the literature in individuals affected with FUK-related conditions. An algorithm developed to predict the effect of missense changes on protein structure and function outputs the following: PolyPhen-2: "Benign". The glutamine amino acid residue is found in multiple mammalian species, which suggests that this missense change does not adversely affect protein function. In summary, the available evidence is currently insufficient to determine the role of this variant in disease. Therefore, it has been classified as a Variant of Uncertain Significance.

NM_145059.3(FCSK):c.622G>C (p.Glu208Gln)

Gene: FCSK (fucose kinase; plus strand). Cytogenetic location: 16q22.1.
Variant type: single nucleotide variant.
Coding change: c.622G>C on transcript NM_145059.3 (MANE Select); coding-DNA position 622, G replaced by C.
Protein change: p.Glu208Gln; replaces glutamic acid 208 with glutamine.
Molecular consequence: missense variant.
Genome position (GRCh38, 1-based): chr16:70,467,925, G>C. VCF-style: chr16-70467925-G-C. GRCh37 (hg19) VCF-style: chr16-70501828-G-C.
Other names: short protein forms E208Q.
Identifiers: ClinVar variation 3609372 (VCV003609372.2).
Genomic context (GRCh38, chr16:70,467,925, plus strand): 5'-TCTGTTTCTCCCTGCACATAGGGCCTTGTTTTGGACATTTACTACCAGGGCACTGAGGCA[G>C]AGATTCAGCGGTGTGTCAGGCCTGATGGGCGGGTGCCACTGGTATGGCTGCTGGGCCCAG-3'
Protein context (NP_659496.2, residues 198-218): LDIYYQGTEA[Glu208Gln]IQRCVRPDGR